The following is an entry in ClinVar:

NM_198252.3(GSN):c.19G>A (p.Glu7Lys)

Gene: GSN (gelsolin; plus strand). Cytogenetic location: 9q33.2.
Variant type: single nucleotide variant.
Coding change: c.19G>A on transcript NM_198252.3 (MANE Select); coding-DNA position 19, G replaced by A.
Protein change: p.Glu7Lys; replaces glutamic acid 7 with lysine.
Molecular consequence: missense variant. On other transcripts: intron variant (1).
Genome position (GRCh38, 1-based): chr9:121,301,990, G>A. VCF-style: chr9-121301990-G-A. GRCh37 (hg19) VCF-style: chr9-124064268-G-A.
Other names: c.172G>A (NM_000177.4); c.172G>A, p.Glu58Lys (NM_000177.5); c.19G>A, p.Glu7Lys (NM_001127662.2, NM_001127664.2, NM_001127665.2 and 10 more transcripts); c.127G>A, p.Glu43Lys (NM_001127663.2); c.52G>A, p.Glu18Lys (NM_001127666.2, NM_001127667.2, NM_001353063.2 and 13 more transcripts); c.70G>A, p.Glu24Lys (NM_001258029.2); c.43G>A, p.Glu15Lys (NM_001258030.2); c.91G>A, p.Glu31Lys (NM_001353076.2); and 1 more; short protein forms E31K, E43K, E18K, E58K, E7K, E15K, E24K.
Identifiers: ClinVar variation 2177229 (VCV002177229.7), dbSNP rs143781307, ClinGen allele CA5220743.

ClinVar aggregate classification (germline): Uncertain significance. Review status: criteria provided, multiple submitters, no conflicts (2 of 4 stars). 4 submissions from 4 submitters: Uncertain significance (4). Last evaluated 2026-04-23.

Conditions:
GSN-related disorder. Also called: GSN-related condition.
Inborn genetic diseases. Identifiers: MedGen C0950123, MeSH D030342.
Finnish type amyloidosis. Also called: Amyloidosis, familial, Finnish type; Meretoja type amyloidosis; Amyloidosis 5; AMYLOIDOSIS, HEREDITARY SYSTEMIC 4, FINNISH TYPE; AMYLOID CRANIAL NEUROPATHY WITH LATTICE CORNEAL DYSTROPHY; AMYLOIDOSIS DUE TO MUTANT GELSOLIN. Identifiers: Orphanet 85448, MedGen C1622345, MONDO:0007097, OMIM 105120.

Allele frequency attached by ClinVar (database versions not stated): ExAC 0.00001; gnomAD exomes 0.00001; gnomAD 0.00003; TOPMed 0.00014; ESP Exome Variant Server 0.00015.

Submissions (4):

PreventionGenetics, part of Exact Sciences
Classification: Uncertain significance for GSN-related condition. Last evaluated: 2026-04-23. Review status: criteria provided, single submitter. Criteria: ACMG Guidelines, 2015. Collection method: clinical testing. Allele origin: germline.
Comment: The GSN c.172G>A variant is predicted to result in the amino acid substitution p.Glu58Lys. To our knowledge, this variant has not been reported in the literature. This variant is reported in 0.0029% of alleles in individuals of Latino descent in gnomAD. At this time, the clinical significance of this variant is uncertain due to the absence of conclusive functional and genetic evidence.

Labcorp Genetics (formerly Invitae), Labcorp
Classification: Uncertain significance. Last evaluated: 2025-12-08. Review status: criteria provided, single submitter. Criteria: Invitae Variant Classification Sherloc (09022015). Collection method: clinical testing. Allele origin: germline.
Comment: This sequence change replaces glutamic acid, which is acidic and polar, with lysine, which is basic and polar, at codon 58 of the GSN protein (p.Glu58Lys). This variant is not present in population databases (gnomAD no frequency). This variant has not been reported in the literature in individuals affected with GSN-related conditions. ClinVar contains an entry for this variant (Variation ID: 2177229). An algorithm developed to predict the effect of missense changes on protein structure and function (PolyPhen-2) suggests that this variant is likely to be disruptive. In summary, the available evidence is currently insufficient to determine the role of this variant in disease. Therefore, it has been classified as a Variant of Uncertain Significance.

Fulgent Genetics
Classification: Uncertain significance for Finnish type amyloidosis. Last evaluated: 2024-02-20. Review status: criteria provided, single submitter. Criteria: ACMG Guidelines, 2015. Collection method: clinical testing. Allele origin: germline.

Ambry Genetics
Classification: Uncertain significance for Inborn genetic diseases. Last evaluated: 2022-11-03. Review status: criteria provided, single submitter. Criteria: Ambry Variant Classification Scheme 2023. Collection method: clinical testing. Allele origin: germline.